The following is an entry in ClinVar:

NM_014915.3(ANKRD26):c.1608G>C (p.Arg536Ser)

Gene: ANKRD26 (ankyrin repeat domain 26; minus strand). Cytogenetic location: 10p12.1.
Variant type: single nucleotide variant.
Coding change: c.1608G>C on transcript NM_014915.3 (MANE Select); coding-DNA position 1608, G replaced by C.
Protein change: p.Arg536Ser; replaces arginine 536 with serine.
Molecular consequence: missense variant.
Genome position (GRCh38, 1-based): chr10:27,053,347, C>G on the plus strand (G>C on the coding strand, the complement: ANKRD26 is on the minus strand). VCF-style: chr10-27053347-C-G. GRCh37 (hg19) VCF-style: chr10-27342276-C-G.
Other names: c.1608G>C, p.Arg536Ser (NM_001256053.2); short protein forms R536S.
Identifiers: ClinVar variation 3646866 (VCV003646866.2).

ClinVar aggregate classification (germline): Uncertain significance (1 of 4 stars; one submission).

Submission:

Labcorp Genetics (formerly Invitae), Labcorp
Classification: Uncertain significance. Last evaluated: 2024-08-31. Review status: criteria provided, single submitter. Criteria: Invitae Variant Classification Sherloc (09022015). Collection method: clinical testing. Allele origin: germline.
Comment: This sequence change replaces arginine, which is basic and polar, with serine, which is neutral and polar, at codon 536 of the ANKRD26 protein (p.Arg536Ser). This variant is not present in population databases (gnomAD no frequency). This variant has not been reported in the literature in individuals affected with ANKRD26-related conditions. An algorithm developed to predict the effect of missense changes on protein structure and function outputs the following: PolyPhen-2: "Benign". The serine amino acid residue is found in multiple mammalian species, which suggests that this missense change does not adversely affect protein function. In summary, the available evidence is currently insufficient to determine the role of this variant in disease. Therefore, it has been classified as a Variant of Uncertain Significance.